The following is an entry in ClinVar:

ClinVar aggregate classification (germline): Uncertain significance (1 of 4 stars; one submission).

Submission:

GeneDx
Classification: Uncertain significance. Last evaluated: 2023-11-14. Review status: criteria provided, single submitter. Criteria: GeneDx Variant Classification Process June 2021. Collection method: clinical testing. Allele origin: germline. Affected: yes.
Comment: Not observed at significant frequency in large population cohorts (gnomAD); In silico analysis supports that this missense variant has a deleterious effect on protein structure/function; Has not been previously published as pathogenic or benign to our knowledge

NM_001164508.2(NEB):c.7234T>A (p.Tyr2412Asn)

Gene: NEB (nebulin; minus strand). Cytogenetic location: 2q23.3.
Variant type: single nucleotide variant.
Coding change: c.7234T>A on transcript NM_001164508.2 (MANE Select); coding-DNA position 7234, T replaced by A.
Protein change: p.Tyr2412Asn; replaces tyrosine 2412 with asparagine.
Molecular consequence: missense variant.
Genome position (GRCh38, 1-based): chr2:151,650,373, A>T on the plus strand (T>A on the coding strand, the complement: NEB is on the minus strand). VCF-style: chr2-151650373-A-T. GRCh37 (hg19) VCF-style: chr2-152506887-A-T.
Other names: c.7234T>A, p.Tyr2412Asn (NM_001164507.2, NM_001271208.2, NM_004543.5); short protein forms Y2412N.
Identifiers: ClinVar variation 3364084 (VCV003364084.1).
Genomic context (GRCh38, chr2:151,650,373, plus strand): 5'-CCTCTAAAGAACCCAAGGGACTCCATCCTATGCCTCTCAGCCACTCAAGGTCAGATTTAT[A>T]TAGATTCTGTGAAAAGACAGAGCAAGCCATCAAAATCCCATTCTCACCTGGACCCTTGAT-3'
Protein context (NP_001157980.2, residues 2402-2422): KVYELQSENL[Tyr2412Asn]KSDLEWLRGI